The following is an entry in ClinVar:

ClinVar aggregate classification (germline): Uncertain significance (1 of 4 stars; one submission).

Conditions:
Nephronophthisis. Also called: Juvenile Nephronophthisis. Identifiers: Orphanet 655, MedGen C0687120, MONDO:0019005, HP:0000090.

Allele frequency attached by ClinVar (database versions not stated): TOPMed below 0.00001.
gnomAD v4.1: 9 of 1,612,088 alleles (0.00056%); highest among the groups gnomAD compares: East Asian, 0.02%; no homozygotes.

Submission:

Labcorp Genetics (formerly Invitae), Labcorp
Classification: Uncertain significance for Nephronophthisis. Last evaluated: 2021-04-24. Review status: criteria provided, single submitter. Criteria: Invitae Variant Classification Sherloc (09022015). Collection method: clinical testing. Allele origin: germline.
Comment: This variant has not been reported in the literature in individuals with NPHP1-related conditions. This variant is present in population databases (rs746482479, ExAC 0.01%). This sequence change replaces proline with histidine at codon 395 of the NPHP1 protein (p.Pro395His). The proline residue is highly conserved and there is a moderate physicochemical difference between proline and histidine. Algorithms developed to predict the effect of missense changes on protein structure and function (SIFT, PolyPhen-2, Align-GVGD) all suggest that this variant is likely to be disruptive, but these predictions have not been confirmed by published functional studies and their clinical significance is uncertain. In summary, the available evidence is currently insufficient to determine the role of this variant in disease. Therefore, it has been classified as a Variant of Uncertain Significance.

NM_001128178.3(NPHP1):c.1016C>A (p.Pro339His)

Gene: NPHP1 (nephrocystin 1; minus strand). Cytogenetic location: 2q13.
Variant type: single nucleotide variant.
Coding change: c.1016C>A on transcript NM_001128178.3 (MANE Select); coding-DNA position 1016, C replaced by A.
Protein change: p.Pro339His; replaces proline 339 with histidine.
Molecular consequence: missense variant.
Genome position (GRCh38, 1-based): chr2:110,160,194, G>T on the plus strand (C>A on the coding strand, the complement: NPHP1 is on the minus strand). VCF-style: chr2-110160194-G-T. GRCh37 (hg19) VCF-style: chr2-110917771-G-T.
Other names: c.1184C>A, p.Pro395His (NM_000272.5); c.827C>A, p.Pro276His (NM_001128179.3); c.1013C>A, p.Pro338His (NM_001374256.1); c.1016C>A, p.Pro339His (NM_001374257.1); c.1181C>A, p.Pro394His (NM_207181.4); short protein forms P276H, P338H, P339H, P394H, P395H.
Identifiers: ClinVar variation 998908 (VCV000998908.6), dbSNP rs746482479, ClinGen allele CA1827148.